The following is an entry in ClinVar:

NM_000222.3(KIT):c.2819C>G (p.Ala940Gly)

Gene: KIT (KIT proto-oncogene, receptor tyrosine kinase; plus strand). Cytogenetic location: 4q12.
Variant type: single nucleotide variant.
Coding change: c.2819C>G on transcript NM_000222.3 (MANE Select); coding-DNA position 2819, C replaced by G.
Protein change: p.Ala940Gly; replaces alanine 940 with glycine.
Molecular consequence: missense variant.
Genome position (GRCh38, 1-based): chr4:54,738,445, C>G. VCF-style: chr4-54738445-C-G. GRCh37 (hg19) VCF-style: chr4-55604611-C-G.
Other names: c.2807C>G, p.Ala936Gly (NM_001093772.2, NM_001385292.1); c.2822C>G, p.Ala941Gly (NM_001385284.1); c.2816C>G, p.Ala939Gly (NM_001385285.1); c.2804C>G, p.Ala935Gly (NM_001385286.1); c.2810C>G, p.Ala937Gly (NM_001385288.1); c.2819C>G, p.Ala940Gly (NM_001385290.1); c.2819C>G (NM_000222.2); short protein forms A935G, A936G, A937G, A939G, A940G, A941G.
Identifiers: ClinVar variation 1021300 (VCV001021300.10), dbSNP rs1723052055, ClinGen allele CA356915790.
Genomic context (GRCh38, chr4:54,738,445, plus strand): 5'-CGTTGTAGGGACTGCTGTATTGACTATGGGCTTGTTTTCTCCAGATTTACTCCAACTTAG[C>G]AAACTGCAGCCCCAACCGACAGAAGCCCGTGGTAGACCATTCTGTGCGGATCAATTCTGT-3'
Protein context (NP_000213.1, residues 930-950): ESTNHIYSNL[Ala940Gly]NCSPNRQKPV

ClinVar aggregate classification (germline): Uncertain significance. Review status: criteria provided, multiple submitters, no conflicts (2 of 4 stars). 2 submissions from 2 submitters: Uncertain significance (2). Last evaluated 2025-03-18.

Conditions:
Gastrointestinal stromal tumor. Also called: Gastrointestinal stromal tumor, somatic; Gastrointestinal stroma tumor. Identifiers: Orphanet 44890, MedGen C0238198, MeSH D046152, MONDO:0011719, OMIM 606764, HP:0100723.
Hereditary cancer-predisposing syndrome. Also called: Tumor predisposition; Neoplastic Syndromes, Hereditary; Hereditary neoplastic syndrome; Hereditary Cancer Syndrome. Identifiers: Orphanet 140162, MedGen C0027672, MeSH D009386, MONDO:0015356.

Allele frequency attached by ClinVar (database versions not stated): gnomAD exomes below 0.00001; TOPMed below 0.00001.
gnomAD v4.1: 1 of 1,614,064 alleles (0.000062%); highest among the groups gnomAD compares: Non-Finnish European, 0.000085%; no homozygotes.

Submissions (2):

Ambry Genetics
Classification: Uncertain significance for Hereditary cancer-predisposing syndrome. Last evaluated: 2025-03-18. Review status: criteria provided, single submitter. Criteria: Ambry Variant Classification Scheme 2023. Collection method: clinical testing. Allele origin: germline.
Comment: The p.A940G variant (also known as c.2819C>G), located in coding exon 21 of the KIT gene, results from a C to G substitution at nucleotide position 2819. The alanine at codon 940 is replaced by glycine, an amino acid with similar properties. This amino acid position is conserved. In addition, this alteration is predicted to be tolerated by in silico analysis. Based on the available evidence, the clinical significance of this variant remains unclear.

Labcorp Genetics (formerly Invitae), Labcorp
Classification: Uncertain significance for Gastrointestinal stromal tumor. Last evaluated: 2020-09-13. Review status: criteria provided, single submitter. Criteria: Invitae Variant Classification Sherloc (09022015). Collection method: clinical testing. Allele origin: germline.
Comment: In summary, the available evidence is currently insufficient to determine the role of this variant in disease. Therefore, it has been classified as a Variant of Uncertain Significance. Algorithms developed to predict the effect of missense changes on protein structure and function (SIFT, PolyPhen-2, Align-GVGD) all suggest that this variant is likely to be tolerated, but these predictions have not been confirmed by published functional studies and their clinical significance is uncertain. This variant has not been reported in the literature in individuals with KIT-related conditions. This variant is not present in population databases (ExAC no frequency). This sequence change replaces alanine with glycine at codon 940 of the KIT protein (p.Ala940Gly). The alanine residue is moderately conserved and there is a small physicochemical difference between alanine and glycine.